The following is an entry in ClinVar:

ClinVar aggregate classification (germline): Conflicting classifications of pathogenicity. Review status: criteria provided, conflicting classifications (1 of 4 stars). 2 submissions from 2 submitters: Uncertain significance (1); Benign (1). Last evaluated 2025-06-04.

Conditions:
Hereditary cancer-predisposing syndrome. Also called: Tumor predisposition; Neoplastic Syndromes, Hereditary; Hereditary Cancer Syndrome; Hereditary neoplastic syndrome. Identifiers: Orphanet 140162, MedGen C0027672, MeSH D009386, MONDO:0015356.
Tuberous sclerosis 2 (TSC2). Identifiers: Orphanet 805, MedGen C1860707, MONDO:0013199, OMIM 613254.

Allele frequency attached by ClinVar (database versions not stated): gnomAD exomes below 0.00001; ExAC 0.00001.
gnomAD v4.1: 1 of 1,613,942 alleles (0.000062%); highest among the groups gnomAD compares: Non-Finnish European, 0.000085%; no homozygotes.

Submissions (2):

Labcorp Genetics (formerly Invitae), Labcorp
Classification: Benign for Tuberous sclerosis 2. Last evaluated: 2025-06-04. Review status: criteria provided, single submitter. Criteria: Invitae Variant Classification Sherloc (09022015). Collection method: clinical testing. Allele origin: germline.

Ambry Genetics
Classification: Uncertain significance for Hereditary cancer-predisposing syndrome. Last evaluated: 2024-08-27. Review status: criteria provided, single submitter. Criteria: Ambry Variant Classification Scheme 2023. Collection method: clinical testing. Allele origin: germline.
Comment: The p.F38Y variant (also known as c.113T>A), located in coding exon 1 of the TSC2 gene, results from a T to A substitution at nucleotide position 113. The phenylalanine at codon 38 is replaced by tyrosine, an amino acid with highly similar properties. This amino acid position is highly conserved in available vertebrate species. In addition, the in silico prediction for this alteration is inconclusive. Based on the available evidence, the clinical significance of this variant remains unclear.

NM_000548.5(TSC2):c.113T>A (p.Phe38Tyr)

Gene: TSC2 (TSC complex subunit 2; plus strand). Cytogenetic location: 16p13.3.
Variant type: single nucleotide variant.
Coding change: c.113T>A on transcript NM_000548.5 (MANE Select); coding-DNA position 113, T replaced by A.
Protein change: p.Phe38Tyr; replaces phenylalanine 38 with tyrosine.
Molecular consequence: missense variant. On other transcripts: intron variant (1), 5 prime UTR variant (1).
Genome position (GRCh38, 1-based): chr16:2,048,728, T>A. VCF-style: chr16-2048728-T-A. GRCh37 (hg19) VCF-style: chr16-2098729-T-A.
Other names: c.113T>A, p.Phe38Tyr (NM_001363528.2, NM_001370404.1, NM_001370405.1 and 4 more transcripts); c.-10+663T>A (NM_001318829.2); c.113T>A (NM_000548.3); c.-114T>A (NM_001318831.2); c.146T>A, p.Phe49Tyr (NM_001318832.2); short protein forms F38Y, F49Y.
Identifiers: ClinVar variation 1058082 (VCV001058082.10), dbSNP rs745604417, ClinGen allele CA028582.